The following is an entry in ClinVar:

NM_004525.3(LRP2):c.10548G>C (p.Gln3516His)

Gene: LRP2 (LDL receptor related protein 2; minus strand). Cytogenetic location: 2q31.1.
Variant type: single nucleotide variant.
Coding change: c.10548G>C on transcript NM_004525.3 (MANE Select); coding-DNA position 10548, G replaced by C.
Protein change: p.Gln3516His; replaces glutamine 3516 with histidine.
Molecular consequence: missense variant.
Genome position (GRCh38, 1-based): chr2:169,176,434, C>G on the plus strand (G>C on the coding strand, the complement: LRP2 is on the minus strand). VCF-style: chr2-169176434-C-G. GRCh37 (hg19) VCF-style: chr2-170032944-C-G.
Other names: short protein forms Q3516H.
Identifiers: ClinVar variation 3373600 (VCV003373600.1).

ClinVar aggregate classification (germline): Uncertain significance (1 of 4 stars; one submission).

gnomAD v4.1: 28 of 1,614,062 alleles (0.0017%); highest among the groups gnomAD compares: Non-Finnish European, 0.0023%; no homozygotes.

Submission:

GeneDx
Classification: Uncertain significance. Last evaluated: 2024-03-04. Review status: criteria provided, single submitter. Criteria: GeneDx Variant Classification Process June 2021. Collection method: clinical testing. Allele origin: germline. Affected: yes.
Comment: Not observed at significant frequency in large population cohorts (gnomAD); In silico analysis supports that this missense variant has a deleterious effect on protein structure/function; Has not been previously published as pathogenic or benign to our knowledge